The following is an entry in ClinVar:

NM_152443.3(RDH12):c.410C>G (p.Ala137Gly)

Genes: GPHN (gephyrin; plus strand), RDH12 (retinol dehydrogenase 12; plus strand). Cytogenetic location: 14q24.1.
Variant type: single nucleotide variant.
Coding change: c.410C>G on transcript NM_152443.3 (MANE Select); coding-DNA position 410, C replaced by G.
Protein change: p.Ala137Gly; replaces alanine 137 with glycine.
Molecular consequence: missense variant.
Genome position (GRCh38, 1-based): chr14:67,726,117, C>G. VCF-style: chr14-67726117-C-G. GRCh37 (hg19) VCF-style: chr14-68192834-C-G.
Other names: short protein forms A137G.
Identifiers: ClinVar variation 1035332 (VCV001035332.8), dbSNP rs779597637, ClinGen allele CA7238697.

ClinVar aggregate classification (germline): Uncertain significance. Review status: criteria provided, multiple submitters, no conflicts (2 of 4 stars). 3 submissions from 3 submitters: Uncertain significance (2). 1 of the submissions does not count toward it. Last evaluated 2024-10-31.

Conditions:
Leber congenital amaurosis 13 (LCA13). Identifiers: MedGen C2675186, MONDO:0012990, OMIM 612712.
Leber congenital amaurosis (LCA). Also called: Leber's amaurosis. Identifiers: Orphanet 65, MedGen C0339527, MeSH D057130, MONDO:0018998.

Allele frequency attached by ClinVar (database versions not stated): ExAC 0.00002; gnomAD 0.00002 and 0.00003; gnomAD exomes 0.00002 and 0.00003; TOPMed 0.00002.
gnomAD v4.1: 42 of 1,613,854 alleles (0.0026%); highest among the groups gnomAD compares: Non-Finnish European, 0.0035%; no homozygotes.

Submissions (3):

Blueprint Genetics
Classification: Uncertain significance. Last evaluated: 2024-10-31. Review status: criteria provided, single submitter. Criteria: ACMG Guidelines, 2015. Collection method: clinical testing. Allele origin: germline.

Labcorp Genetics (formerly Invitae), Labcorp
Classification: Uncertain significance for Leber congenital amaurosis 13. Last evaluated: 2022-03-18. Review status: criteria provided, single submitter. Criteria: Invitae Variant Classification Sherloc (09022015). Collection method: clinical testing. Allele origin: germline.
Comment: This sequence change replaces alanine, which is neutral and non-polar, with glycine, which is neutral and non-polar, at codon 137 of the RDH12 protein (p.Ala137Gly). This variant is present in population databases (rs779597637, gnomAD 0.004%). This variant has not been reported in the literature in individuals affected with RDH12-related conditions. ClinVar contains an entry for this variant (Variation ID: 1035332). Algorithms developed to predict the effect of missense changes on protein structure and function are either unavailable or do not agree on the potential impact of this missense change (SIFT: "Deleterious"; PolyPhen-2: "Possibly Damaging"; Align-GVGD: "Class C0"). Algorithms developed to predict the effect of sequence changes on RNA splicing suggest that this variant may create or strengthen a splice site. In summary, the available evidence is currently insufficient to determine the role of this variant in disease. Therefore, it has been classified as a Variant of Uncertain Significance.

Natera, Inc.
Classification: Uncertain significance for Leber congenital amaurosis. Last evaluated: 2020-09-15. Review status: no assertion criteria provided. Collection method: clinical testing. Allele origin: germline. Not counted in ClinVar's aggregate classification.